The following is an entry in ClinVar:

NM_001364905.1(LRBA):c.7292A>G (p.Asn2431Ser)

Gene: LRBA (LPS responsive beige-like anchor protein; minus strand). Cytogenetic location: 4q31.3.
Variant type: single nucleotide variant.
Coding change: c.7292A>G on transcript NM_001364905.1 (MANE Select); coding-DNA position 7292, A replaced by G.
Protein change: p.Asn2431Ser; replaces asparagine 2431 with serine.
Molecular consequence: missense variant.
Genome position (GRCh38, 1-based): chr4:150,350,062, T>C on the plus strand (A>G on the coding strand, the complement: LRBA is on the minus strand). VCF-style: chr4-150350062-T-C. GRCh37 (hg19) VCF-style: chr4-151271214-T-C.
Other names: c.7292A>G, p.Asn2431Ser (NM_001199282.3, NM_001367550.1); c.7325A>G, p.Asn2442Ser (NM_006726.5); short protein forms N2431S, N2442S.
Identifiers: ClinVar variation 657005 (VCV000657005.11), dbSNP rs972740124, ClinGen allele CA108323703.

ClinVar aggregate classification (germline): Uncertain significance. Review status: criteria provided, multiple submitters, no conflicts (2 of 4 stars). 2 submissions from 2 submitters: Uncertain significance (2). Last evaluated 2025-10-01.

Conditions:
Inborn genetic diseases. Identifiers: MedGen C0950123, MeSH D030342.
Combined immunodeficiency due to LRBA deficiency. Also called: Common variable immunodeficiency 8, with autoimmunity. Identifiers: Orphanet 445018, MedGen C3553512, MONDO:0013863, OMIM 614700.

Allele frequency attached by ClinVar (database versions not stated): gnomAD exomes below 0.00001 and 0.00001; gnomAD 0.00001 and 0.00002; TOPMed 0.00001.
gnomAD v4.1: 19 of 1,613,584 alleles (0.0012%); highest among the groups gnomAD compares: East Asian, 0.0022%; no homozygotes.

Submissions (2):

Labcorp Genetics (formerly Invitae), Labcorp
Classification: Uncertain significance for Combined immunodeficiency due to LRBA deficiency. Last evaluated: 2025-10-01. Review status: criteria provided, single submitter. Criteria: Invitae Variant Classification Sherloc (09022015). Collection method: clinical testing. Allele origin: germline.
Comment: This sequence change replaces asparagine, which is neutral and polar, with serine, which is neutral and polar, at codon 2442 of the LRBA protein (p.Asn2442Ser). This variant is present in population databases (no rsID available, gnomAD 0.006%). This variant has not been reported in the literature in individuals affected with LRBA-related conditions. ClinVar contains an entry for this variant (Variation ID: 657005). Invitae Evidence Modeling of protein sequence and biophysical properties (such as structural, functional, and spatial information, amino acid conservation, physicochemical variation, residue mobility, and thermodynamic stability) has been performed for this missense variant. However, the output from this modeling did not meet the statistical confidence thresholds required to predict the impact of this variant on LRBA protein function. In summary, the available evidence is currently insufficient to determine the role of this variant in disease. Therefore, it has been classified as a Variant of Uncertain Significance.

Ambry Genetics
Classification: Uncertain significance for Inborn genetic diseases. Last evaluated: 2024-04-12. Review status: criteria provided, single submitter. Criteria: Ambry Variant Classification Scheme 2023. Collection method: clinical testing. Allele origin: germline.